The following is an entry in ClinVar:

NM_002734.5(PRKAR1A):c.116G>T (p.Cys39Phe)

Gene: PRKAR1A (protein kinase cAMP-dependent type I regulatory subunit alpha; plus strand). Cytogenetic location: 17q24.2.
Variant type: single nucleotide variant.
Coding change: c.116G>T on transcript NM_002734.5 (MANE Select); coding-DNA position 116, G replaced by T.
Protein change: p.Cys39Phe; replaces cysteine 39 with phenylalanine.
Molecular consequence: missense variant.
Genome position (GRCh38, 1-based): chr17:68,515,515, G>T. VCF-style: chr17-68515515-G-T. GRCh37 (hg19) VCF-style: chr17-66511656-G-T.
Other names: c.116G>T, p.Cys39Phe (NM_001278433.2, NM_001369389.1, NM_001369390.1 and 4 more transcripts); c.116G>T (NM_002734.3); short protein forms C39F.
Identifiers: ClinVar variation 1358387 (VCV001358387.7), dbSNP rs2143152025, ClinGen allele CA400752002.
Genomic context (GRCh38, chr17:68,515,515, plus strand): 5'-AGCTCTACGTCCAGAAGCATAACATTCAAGCGCTGCTCAAAGATTCTATTGTGCAGTTGT[G>T]CACTGCTCGACCTGAGAGACCCATGGCATTCCTCAGGGAATACTTTGAGAGGTTGGAGAA-3'
Protein context (NP_002725.1, residues 29-49): ALLKDSIVQL[Cys39Phe]TARPERPMAF

ClinVar aggregate classification (germline): Uncertain significance. Review status: criteria provided, multiple submitters, no conflicts (2 of 4 stars). 2 submissions from 2 submitters: Uncertain significance (2). Last evaluated 2023-08-24.

Conditions:
Hereditary cancer-predisposing syndrome. Also called: Tumor predisposition; Hereditary neoplastic syndrome; Neoplastic Syndromes, Hereditary; Hereditary Cancer Syndrome. Identifiers: Orphanet 140162, MedGen C0027672, MeSH D009386, MONDO:0015356.
Carney complex, type 1 (CNC1). Also called: CARNEY COMPLEX, TYPE I; CARNEY MYXOMA-ENDOCRINE COMPLEX. Identifiers: Orphanet 1359, MedGen C2607929, MONDO:0008057, OMIM 160980.

Submissions (2):

Ambry Genetics
Classification: Uncertain significance for Hereditary cancer-predisposing syndrome. Last evaluated: 2023-08-24. Review status: criteria provided, single submitter. Criteria: Ambry Variant Classification Scheme 2023. Collection method: clinical testing. Allele origin: germline.
Comment: The p.C39F variant (also known as c.116G>T), located in coding exon 1 of the PRKAR1A gene, results from a G to T substitution at nucleotide position 116. The cysteine at codon 39 is replaced by phenylalanine, an amino acid with highly dissimilar properties. This amino acid position is highly conserved in available vertebrate species. In addition, this alteration is predicted to be deleterious by in silico analysis. Since supporting evidence is limited at this time, the clinical significance of this alteration remains unclear.

Labcorp Genetics (formerly Invitae), Labcorp
Classification: Uncertain significance for Carney complex, type 1. Last evaluated: 2021-10-10. Review status: criteria provided, single submitter. Criteria: Invitae Variant Classification Sherloc (09022015). Collection method: clinical testing. Allele origin: germline.
Comment: In summary, the available evidence is currently insufficient to determine the role of this variant in disease. Therefore, it has been classified as a Variant of Uncertain Significance. Algorithms developed to predict the effect of missense changes on protein structure and function are either unavailable or do not agree on the potential impact of this missense change (SIFT: "Deleterious"; PolyPhen-2: "Benign"; Align-GVGD: "Class C0"). This variant has not been reported in the literature in individuals affected with PRKAR1A-related conditions. This variant is not present in population databases (ExAC no frequency). This sequence change replaces cysteine with phenylalanine at codon 39 of the PRKAR1A protein (p.Cys39Phe). The cysteine residue is highly conserved and there is a large physicochemical difference between cysteine and phenylalanine.